The following is an entry in ClinVar:

ClinVar aggregate classification (germline): Likely benign. Review status: criteria provided, multiple submitters, no conflicts (2 of 4 stars). 3 submissions from 3 submitters: Likely benign (3). Last evaluated 2026-01-19.

Conditions:
Peutz-Jeghers syndrome (PJS). Also called: Peutz-Jeghers polyposis; Periorificial lentiginosis syndrome; POLYPOSIS, HAMARTOMATOUS INTESTINAL; POLYPS-AND-SPOTS SYNDROME. Identifiers: Orphanet 2869, MedGen C0031269, MeSH D010580, MONDO:0008280, OMIM 175200.

Allele frequency attached by ClinVar (database versions not stated): gnomAD exomes below 0.00001; TOPMed below 0.00001.
gnomAD v4.1: 15 of 1,611,230 alleles (0.00093%); highest among the groups gnomAD compares: East Asian, 0.0022%; no homozygotes.

Submissions (3):

Labcorp Genetics (formerly Invitae), Labcorp
Classification: Likely benign for Peutz-Jeghers syndrome. Last evaluated: 2026-01-19. Review status: criteria provided, single submitter. Criteria: Invitae Variant Classification Sherloc (09022015). Collection method: clinical testing. Allele origin: germline.

Myriad Genetics, Inc.
Classification: Likely benign for Peutz-Jeghers syndrome. Last evaluated: 2025-03-27. Review status: criteria provided, single submitter. Criteria: Myriad Autosomal Dominant, Autosomal Recessive and X-Linked Classification Criteria (2023). Collection method: clinical testing. Allele origin: unknown.
Comment: This variant is considered likely benign. This variant is intronic and is not expected to impact mRNA splicing.

GeneDx
Classification: Likely benign. Last evaluated: 2016-03-02. Review status: criteria provided, single submitter. Criteria: GeneDx Variant Classification (06012015). Collection method: clinical testing. Allele origin: germline. Affected: yes.
Comment: This variant is considered likely benign or benign based on one or more of the following criteria: it is a conservative change, it occurs at a poorly conserved position in the protein, it is predicted to be benign by multiple in silico algorithms, and/or has population frequency not consistent with disease.

NM_000455.5(STK11):c.735-17C>T

Gene: STK11 (serine/threonine kinase 11; plus strand). Cytogenetic location: 19p13.3.
Variant type: single nucleotide variant.
Coding change: c.735-17C>T on transcript NM_000455.5 (MANE Select); 17 bases into the intron before coding-DNA position 735, C replaced by T.
Molecular consequence: intron variant.
Genome position (GRCh38, 1-based): chr19:1,221,196, C>T. VCF-style: chr19-1221196-C-T. GRCh37 (hg19) VCF-style: chr19-1221195-C-T.
Identifiers: ClinVar variation 380613 (VCV000380613.9), dbSNP rs1057520874, ClinGen allele CA16608019.
Genomic context (GRCh38, chr19:1,221,196, plus strand): 5'-CTGGGGTAGAGCTGGGGCTCCTAGGGCGTCAACCACCTTGACTGACCACGCCTTTCTTCC[C>T]TCCCCTCGAAATGAAGCTACAACATCACCACGGGTCTGTACCCCTTCGAAGGGGACAACA-3'